The following is an entry in ClinVar:

NM_016122.3(CEP83):c.1684C>T (p.Arg562Ter)

Gene: CEP83 (centrosomal protein 83; minus strand). Cytogenetic location: 12q22.
Variant type: single nucleotide variant.
Coding change: c.1684C>T on transcript NM_016122.3 (MANE Select); coding-DNA position 1684, C replaced by T.
Protein change: p.Arg562Ter; replaces arginine 562 with a stop codon.
Molecular consequence: nonsense. On other transcripts: non-coding transcript variant (2).
Genome position (GRCh38, 1-based): chr12:94,331,723, G>A on the plus strand (C>T on the coding strand, the complement: CEP83 is on the minus strand). VCF-style: chr12-94331723-G-A. GRCh37 (hg19) VCF-style: chr12-94725499-G-A.
Other names: c.1684C>T (NM_016122.2); c.1684C>T, p.Arg562Ter (NM_001042399.2, NM_001346457.2, NM_001368037.1 and 1 more transcripts); c.1372C>T, p.Arg458Ter (NM_001346458.2, NM_001346459.2, NM_001368039.1 and 1 more transcripts); c.1459C>T, p.Arg487Ter (NM_001368041.1); short protein forms R458*, R487*, R562*.
Identifiers: ClinVar variation 806924 (VCV000806924.46), dbSNP rs906852829, ClinGen allele CA242058005.
Genomic context (GRCh38, chr12:94,331,723, plus strand): 5'-TGCCTGGCCAGAGATCACTTTAATAAGAACCACTTGCCTTTTTCTGGGCAATTGCAGCTC[G>A]CTGCAGTTTCTCCTTAGCTTGATTGTACTTTTCTTCTCTGTCTGTGATACGCTCATGAAG-3'

ClinVar aggregate classification (germline): Conflicting classifications of pathogenicity. Review status: criteria provided, conflicting classifications (1 of 4 stars). 3 submissions from 3 submitters: Pathogenic (1); Likely pathogenic (1); Uncertain significance (1). Last evaluated 2025-03-13.

Conditions:
Nephronophthisis 18 (NPHP18). Identifiers: Orphanet 655, MedGen C3890591, MONDO:0014374, OMIM 615862.

Allele frequency attached by ClinVar (database versions not stated): gnomAD 0.00001.
gnomAD v4.1: 10 of 1,613,834 alleles (0.00062%); highest among the groups gnomAD compares: South Asian, 0.0033%; no homozygotes.

Submissions (3):

GeneDx
Classification: Likely pathogenic. Last evaluated: 2025-03-13. Review status: criteria provided, single submitter. Criteria: GeneDx Variant Classification Process June 2021. Collection method: clinical testing. Allele origin: germline. Affected: yes.
Comment: Nonsense variant predicted to result in protein truncation or nonsense mediated decay in a gene for which loss of function is a known mechanism of disease; Not observed at significant frequency in large population cohorts (gnomAD); Has not been previously published as pathogenic or benign to our knowledge

Labcorp Genetics (formerly Invitae), Labcorp
Classification: Pathogenic for Nephronophthisis 18. Last evaluated: 2022-09-28. Review status: criteria provided, single submitter. Criteria: Invitae Variant Classification Sherloc (09022015). Collection method: clinical testing. Allele origin: germline.
Comment: This sequence change creates a premature translational stop signal (p.Arg562*) in the CEP83 gene. It is expected to result in an absent or disrupted protein product. Loss-of-function variants in CEP83 are known to be pathogenic (PMID: 23530209, 24882706). For these reasons, this variant has been classified as Pathogenic. ClinVar contains an entry for this variant (Variation ID: 806924). This variant has not been reported in the literature in individuals affected with CEP83-related conditions. This variant is not present in population databases (gnomAD no frequency).

CeGaT Center for Human Genetics Tuebingen
Classification: Uncertain significance. Last evaluated: 2016-09-01. Review status: criteria provided, single submitter. Criteria: CeGaT Center For Human Genetics Tuebingen Variant Classification Criteria Version 2. Collection method: clinical testing. Allele origin: germline. Affected: yes. Observed: 1 variant allele.

Literature cited by the submitters: PubMed 23530209 (cited by Labcorp Genetics (formerly Invitae), Labcorp); PubMed 24882706 (cited by Labcorp Genetics (formerly Invitae), Labcorp).